The following is an entry in ClinVar:

NM_001378609.3(OTOGL):c.6521A>G (p.Tyr2174Cys)

Gene: OTOGL (otogelin like; plus strand). Cytogenetic location: 12q21.31.
Variant type: single nucleotide variant.
Coding change: c.6521A>G on transcript NM_001378609.3 (MANE Select); coding-DNA position 6521, A replaced by G.
Protein change: p.Tyr2174Cys; replaces tyrosine 2174 with cysteine.
Molecular consequence: missense variant.
Genome position (GRCh38, 1-based): chr12:80,368,215, A>G. VCF-style: chr12-80368215-A-G. GRCh37 (hg19) VCF-style: chr12-80761995-A-G.
Other names: c.6386A>G, p.Tyr2129Cys (NM_001368062.3); c.6521A>G, p.Tyr2174Cys (NM_001378610.3, NM_173591.7); short protein forms Y2129C, Y2174C.
Identifiers: ClinVar variation 1189481 (VCV001189481.8), dbSNP rs201222095, ClinGen allele CA6702072.

ClinVar aggregate classification (germline): Uncertain significance. Review status: criteria provided, multiple submitters, no conflicts (2 of 4 stars). 3 submissions from 3 submitters: Uncertain significance (3). Last evaluated 2025-12-30.

Conditions:
Inborn genetic diseases. Identifiers: MedGen C0950123, MeSH D030342.

Allele frequency attached by ClinVar (database versions not stated): gnomAD exomes 0.00008 and 0.00014; TOPMed 0.00008; gnomAD 0.00009; ExAC 0.00033.
gnomAD v4.1: 137 of 1,595,908 alleles (0.0086%); highest among the groups gnomAD compares: Non-Finnish European, 0.011%; no homozygotes.

Submissions (3):

GeneDx
Classification: Uncertain significance. Last evaluated: 2025-12-30. Review status: criteria provided, single submitter. Criteria: GeneDx Variant Classification Process June 2021. Collection method: clinical testing. Allele origin: germline. Affected: yes.
Comment: In silico analysis supports that this missense variant has a deleterious effect on protein structure/function; Has not been previously published as pathogenic or benign to our knowledge

Labcorp Genetics (formerly Invitae), Labcorp
Classification: Uncertain significance. Last evaluated: 2025-09-02. Review status: criteria provided, single submitter. Criteria: Invitae Variant Classification Sherloc (09022015). Collection method: clinical testing. Allele origin: germline.
Comment: This sequence change replaces tyrosine, which is neutral and polar, with cysteine, which is neutral and slightly polar, at codon 2165 of the OTOGL protein (p.Tyr2165Cys). The frequency data for this variant in the population databases is considered unreliable, as metrics indicate poor data quality at this position in the gnomAD database. This variant has not been reported in the literature in individuals affected with OTOGL-related conditions. ClinVar contains an entry for this variant (Variation ID: 1189481). An algorithm developed to predict the effect of missense changes on protein structure and function (PolyPhen-2) suggests that this variant is likely to be disruptive. In summary, the available evidence is currently insufficient to determine the role of this variant in disease. Therefore, it has been classified as a Variant of Uncertain Significance.

Ambry Genetics
Classification: Uncertain significance for Inborn genetic diseases. Last evaluated: 2024-07-27. Review status: criteria provided, single submitter. Criteria: Ambry Variant Classification Scheme 2023. Collection method: clinical testing. Allele origin: germline.